The following is an entry in ClinVar:

NM_020987.5(ANK3):c.4259C>T (p.Thr1420Ile)

Gene: ANK3 (ankyrin 3; minus strand). Cytogenetic location: 10q21.2.
Variant type: single nucleotide variant.
Coding change: c.4259C>T on transcript NM_020987.5 (MANE Select); coding-DNA position 4259, C replaced by T.
Protein change: p.Thr1420Ile; replaces threonine 1420 with isoleucine.
Molecular consequence: missense variant.
Genome position (GRCh38, 1-based): chr10:60,082,679, G>A on the plus strand (C>T on the coding strand, the complement: ANK3 is on the minus strand). VCF-style: chr10-60082679-G-A. GRCh37 (hg19) VCF-style: chr10-61842437-G-A.
Other names: c.1661C>T, p.Thr554Ile (NM_001149.4); c.4241C>T, p.Thr1414Ile (NM_001204403.2); c.4262C>T, p.Thr1421Ile (NM_001204404.2); c.4259C>T, p.Thr1420Ile (NM_001320874.2); short protein forms T1414I, T1420I, T1421I, T554I.
Identifiers: ClinVar variation 3770077 (VCV003770077.1).

ClinVar aggregate classification (germline): Uncertain significance (1 of 4 stars; one submission).

gnomAD v4.1: 13 of 1,614,072 alleles (0.00081%); highest among the groups gnomAD compares: South Asian, 0.014%; 1 homozygote.

Submission:

GeneDx
Classification: Uncertain significance. Last evaluated: 2024-09-12. Review status: criteria provided, single submitter. Criteria: GeneDx Variant Classification Process June 2021. Collection method: clinical testing. Allele origin: germline. Affected: yes.
Comment: In silico analysis supports that this missense variant has a deleterious effect on protein structure/function; Has not been previously published as pathogenic or benign to our knowledge